The following is an entry in ClinVar:

NM_181332.3(NLGN4X):c.931A>G (p.Thr311Ala)

Gene: NLGN4X (neuroligin 4 X-linked; minus strand). Cytogenetic location: Xp22.32.
Variant type: single nucleotide variant.
Coding change: c.931A>G on transcript NM_181332.3 (MANE Select); coding-DNA position 931, A replaced by G.
Protein change: p.Thr311Ala; replaces threonine 311 with alanine.
Molecular consequence: missense variant.
Genome position (GRCh38, 1-based): chrX:5,903,747, T>C on the plus strand (A>G on the coding strand, the complement: NLGN4X is on the minus strand). VCF-style: chrX-5903747-T-C. GRCh37 (hg19) VCF-style: chrX-5821788-T-C.
Other names: c.931A>G, p.Thr311Ala (NM_001282145.2, NM_001282146.2, NM_020742.4); short protein forms T311A.
Identifiers: ClinVar variation 2502490 (VCV002502490.1), dbSNP rs2518449645, ClinGen allele CA412011524.

ClinVar aggregate classification (germline): Uncertain significance (1 of 4 stars; one submission).

Submission:

GeneDx
Classification: Uncertain significance. Last evaluated: 2022-11-22. Review status: criteria provided, single submitter. Criteria: GeneDx Variant Classification Process June 2021. Collection method: clinical testing. Allele origin: germline. Affected: yes.
Comment: Not observed at significant frequency in large population cohorts (gnomAD); In silico analysis supports that this missense variant has a deleterious effect on protein structure/function; Has not been previously published as pathogenic or benign to our knowledge